The following is an entry in ClinVar:

ClinVar aggregate classification (germline): Uncertain significance (1 of 4 stars; one submission).

Submission:

CeGaT Center for Human Genetics Tuebingen
Classification: Uncertain significance. Last evaluated: 2024-08-01. Review status: criteria provided, single submitter. Criteria: CeGaT Center For Human Genetics Tuebingen Variant Classification Criteria Version 2. Collection method: clinical testing. Allele origin: germline. Affected: yes. Observed: 1 variant allele.
Comment: IPO8: PM2

NM_006390.4(IPO8):c.541C>T (p.Arg181Cys)

Gene: IPO8 (importin 8; minus strand). Cytogenetic location: 12p11.21.
Variant type: single nucleotide variant.
Coding change: c.541C>T on transcript NM_006390.4 (MANE Select); coding-DNA position 541, C replaced by T.
Protein change: p.Arg181Cys; replaces arginine 181 with cysteine.
Molecular consequence: missense variant.
Genome position (GRCh38, 1-based): chr12:30,680,580, G>A on the plus strand (C>T on the coding strand, the complement: IPO8 is on the minus strand). VCF-style: chr12-30680580-G-A. GRCh37 (hg19) VCF-style: chr12-30833514-G-A.
Other names: short protein forms R181C.
Identifiers: ClinVar variation 3341935 (VCV003341935.16).
Genomic context (GRCh38, chr12:30,680,580, plus strand): 5'-GCAGTAATACAGAATAATAGGAGGAATCAGGAAGGAGCTGAACAATTTGTTGCTGAATAC[G>A]AGGCAGGAATATCTGCATTGCTATTATAAGAGGTTCTCTCTCTTCTGCTTTCTTATATCT-3'
Protein context (NP_006381.2, residues 171-191): LIIAMQIFLP[Arg181Cys]IQQQIVQLLP